The following is an entry in ClinVar:

ClinVar aggregate classification (germline): Uncertain significance (1 of 4 stars; one submission).

Submission:

GeneDx
Classification: Uncertain significance. Last evaluated: 2025-05-02. Review status: criteria provided, single submitter. Criteria: GeneDx Variant Classification Process June 2021. Collection method: clinical testing. Allele origin: germline. Affected: yes.
Comment: Not observed at significant frequency in large population cohorts (gnomAD); In silico analysis supports that this missense variant has a deleterious effect on protein structure/function; Has not been previously published as pathogenic or benign to our knowledge

NM_004408.4(DNM1):c.440A>G (p.Asp147Gly)

Genes: DNM1 (dynamin 1; plus strand), LOC113839516 (Sharpr-MPRA regulatory region 8497; plus strand). Cytogenetic location: 9q34.11.
Variant type: single nucleotide variant.
Coding change: c.440A>G on transcript NM_004408.4 (MANE Select); coding-DNA position 440, A replaced by G.
Protein change: p.Asp147Gly; replaces aspartic acid 147 with glycine.
Molecular consequence: missense variant.
Genome position (GRCh38, 1-based): chr9:128,219,103, A>G. VCF-style: chr9-128219103-A-G. GRCh37 (hg19) VCF-style: chr9-130981382-A-G.
Other names: c.440A>G, p.Asp147Gly (NM_001005336.3, NM_001288737.2, NM_001288738.2 and 2 more transcripts); short protein forms D147G.
Identifiers: ClinVar variation 4527913 (VCV004527913.1).